The following is an entry in ClinVar:

ClinVar aggregate classification (germline): Uncertain significance. Review status: criteria provided, multiple submitters, no conflicts (2 of 4 stars). 2 submissions from 2 submitters: Uncertain significance (2). Last evaluated 2023-12-05.

Conditions:
Hereditary cancer-predisposing syndrome. Also called: Neoplastic Syndromes, Hereditary; Tumor predisposition; Hereditary Cancer Syndrome; Hereditary neoplastic syndrome. Identifiers: Orphanet 140162, MedGen C0027672, MeSH D009386, MONDO:0015356.

Submissions (2):

Color Diagnostics, LLC DBA Color Health
Classification: Uncertain significance for Hereditary cancer-predisposing syndrome. Last evaluated: 2023-12-05. Review status: criteria provided, single submitter. Criteria: ACMG Guidelines, 2015. Collection method: clinical testing. Allele origin: germline.
Comment: This missense variant replaces aspartic acid with glutamic acid at codon 713 of the MSH6 protein. Computational prediction suggests that this variant may have deleterious impact on protein structure and function (internally defined REVEL score threshold >= 0.7, PMID: 27666373). To our knowledge, functional studies have not been reported for this variant. This variant has not been reported in individuals affected with MSH6-related disorders in the literature. This variant has not been identified in the general population by the Genome Aggregation Database (gnomAD). The available evidence is insufficient to determine the role of this variant in disease conclusively. Therefore, this variant is classified as a Variant of Uncertain Significance.

Ambry Genetics
Classification: Uncertain significance for Hereditary cancer-predisposing syndrome. Last evaluated: 2019-09-26. Review status: criteria provided, single submitter. Criteria: Ambry Variant Classification Scheme 2023. Collection method: clinical testing. Allele origin: germline.
Comment: The p.D713E variant (also known as c.2139T>A), located in coding exon 4 of the MSH6 gene, results from a T to A substitution at nucleotide position 2139. The aspartic acid at codon 713 is replaced by glutamic acid, an amino acid with highly similar properties. This amino acid position is highly conserved in available vertebrate species. In addition, this alteration is predicted to be deleterious by in silico analysis. Since supporting evidence is limited at this time, the clinical significance of this alteration remains unclear.

NM_000179.3(MSH6):c.2139T>A (p.Asp713Glu)

Gene: MSH6 (mutS homolog 6; plus strand). Cytogenetic location: 2p16.3.
Variant type: single nucleotide variant.
Coding change: c.2139T>A on transcript NM_000179.3 (MANE Select); coding-DNA position 2139, T replaced by A.
Protein change: p.Asp713Glu; replaces aspartic acid 713 with glutamic acid.
Molecular consequence: missense variant.
Genome position (GRCh38, 1-based): chr2:47,800,122, T>A. VCF-style: chr2-47800122-T-A. GRCh37 (hg19) VCF-style: chr2-48027261-T-A.
Other names: c.1749T>A, p.Asp583Glu (NM_001281492.2); c.1233T>A, p.Asp411Glu (NM_001281493.2, NM_001281494.2); short protein forms D411E, D583E, D713E.
Identifiers: ClinVar variation 923297 (VCV000923297.6), dbSNP rs1669424907, ClinGen allele CA346751066.
Genomic context (GRCh38, chr2:47,800,122, plus strand): 5'-ATGCCTTATTGATCAGGAGCTTTTATCAATGGCTAATTTTGAAGAATATATTCCCTTGGA[T>A]TCTGACACAGTCAGCACTACAAGATCTGGTGCTATCTTCACCAAAGCCTATCAACGAATG-3'
Protein context (NP_000170.1, residues 703-723): MANFEEYIPL[Asp713Glu]SDTVSTTRSG